The following is an entry in ClinVar:

NM_001360.3(DHCR7):c.1139_1140delinsTA (p.Cys380Leu)

Gene: DHCR7 (7-dehydrocholesterol reductase; minus strand). Cytogenetic location: 11q13.4.
Variant type: Indel.
Coding change: c.1139_1140delinsTA on transcript NM_001360.3 (MANE Select); coding-DNA positions 1139 to 1140, GC replaced by TA.
Protein change: p.Cys380Leu; replaces cysteine 380 with leucine.
Molecular consequence: missense variant. On other transcripts: 3 prime UTR variant (1), intron variant (3).
Genome position (GRCh38, 1-based): chr11:71,435,663-71,435,664, GC replaced by TA on the plus strand (GC replaced by TA on the coding strand, the reverse complement: DHCR7 is on the minus strand). VCF-style: chr11-71435663-GC-TA. GRCh37 (hg19) VCF-style: chr11-71146709-GC-TA.
Other names: c.1139_1140delinsTA, p.Cys380Leu (NM_001163817.2, NM_001425109.1, NM_001425110.1 and 1 more transcripts); c.1190_1191delinsTA, p.Cys397Leu (NM_001425107.1); c.1175_1176delinsTA, p.Cys392Leu (NM_001425108.1); c.1273_1274delinsTA, p.Ala425Tyr (NM_001425112.1); c.1079_1080delinsTA, p.Cys360Leu (NM_001425113.1); c.1043_1044delinsTA, p.Cys348Leu (NM_001425114.1); c.1177_1178delinsTA, p.Ala393Tyr (NM_001425116.1); c.965_966delinsTA, p.Cys322Leu (NM_001425117.1); and 4 more; short protein forms A425Y, C348L, C360L, A393Y, C380L, C392L, C322L, C397L.
Identifiers: ClinVar variation 3573968 (VCV003573968.2).

ClinVar aggregate classification (germline): Conflicting classifications of pathogenicity. Review status: criteria provided, conflicting classifications (1 of 4 stars). 2 submissions from 2 submitters: Likely pathogenic (1); Uncertain significance (1). Last evaluated 2025-12-11.

Conditions:
Smith-Lemli-Opitz syndrome (SLOS). Also called: LETHAL ACRODYSGENITAL SYNDROME; POLYDACTYLY, SEX REVERSAL, RENAL HYPOPLASIA, AND UNILOBAR LUNG; RSH SYNDROME; RUTLEDGE LETHAL MULTIPLE CONGENITAL ANOMALY SYNDROME; 7-Dehydrocholesterol reductase deficiency. Identifiers: Orphanet 818, MedGen C0175694, MONDO:0010035, OMIM 270400.

Submissions (2):

Myriad Genetics, Inc.
Classification: Uncertain significance for Smith-Lemli-Opitz syndrome. Last evaluated: 2025-12-11. Review status: criteria provided, single submitter. Criteria: Myriad Autosomal Dominant, Autosomal Recessive and X-Linked Classification Criteria (2023). Collection method: clinical testing. Allele origin: unknown.
Comment: NM_001360.2(DHCR7):c.1139_1140delGCinsTA(C380L) is a missense variant classified as a variant of uncertain significance in the context of Smith-Lemli-Opitz syndrome. C380L has not been observed in cases with relevant disease. Relevant functional assessments of this variant are not available in the literature. C380L has not been observed in referenced population frequency databases. In summary, there is insufficient evidence to classify NM_001360.2(DHCR7):c.1139_1140delGCinsTA(C380L) as pathogenic or benign. Please note: this variant was assessed in the context of healthy population screening.

Fulgent Genetics
Classification: Likely pathogenic for Smith-Lemli-Opitz syndrome. Last evaluated: 2024-03-19. Review status: criteria provided, single submitter. Criteria: ACMG Guidelines, 2015. Collection method: clinical testing. Allele origin: germline.